The following is an entry in ClinVar:

ClinVar aggregate classification (germline): Uncertain significance (1 of 4 stars; one submission).

Conditions:
Developmental and epileptic encephalopathy, 9 (DEE9). Also called: Early infantile epileptic encephalopathy 9; EPILEPSY, FEMALE-RESTRICTED, WITH MENTAL RETARDATION; JUBERG-HELLMAN SYNDROME; PCDH19-Related X-Linked Female-Limited Epilepsy with Mental Retardation. Identifiers: Orphanet 101039, Orphanet 2076, MedGen C1848137, MONDO:0010246, OMIM 300088. Disease mechanism: loss of function.

Submission:

Labcorp Genetics (formerly Invitae), Labcorp
Classification: Uncertain significance for Developmental and epileptic encephalopathy, 9. Last evaluated: 2022-07-12. Review status: criteria provided, single submitter. Criteria: Invitae Variant Classification Sherloc (09022015). Collection method: clinical testing. Allele origin: germline.
Comment: In summary, the available evidence is currently insufficient to determine the role of this variant in disease. Therefore, it has been classified as a Variant of Uncertain Significance. Advanced modeling of protein sequence and biophysical properties (such as structural, functional, and spatial information, amino acid conservation, physicochemical variation, residue mobility, and thermodynamic stability) performed at Invitae indicates that this missense variant is not expected to disrupt PCDH19 protein function. ClinVar contains an entry for this variant (Variation ID: 956366). This variant has not been reported in the literature in individuals affected with PCDH19-related conditions. This variant is not present in population databases (gnomAD no frequency). This sequence change replaces valine, which is neutral and non-polar, with leucine, which is neutral and non-polar, at codon 1147 of the PCDH19 protein (p.Val1147Leu).

NM_001184880.2(PCDH19):c.3439G>C (p.Val1147Leu)

Gene: PCDH19 (protocadherin 19; minus strand). Cytogenetic location: Xq22.1.
Variant type: single nucleotide variant.
Coding change: c.3439G>C on transcript NM_001184880.2 (MANE Select); coding-DNA position 3439, G replaced by C.
Protein change: p.Val1147Leu; replaces valine 1147 with leucine.
Molecular consequence: missense variant.
Genome position (GRCh38, 1-based): chrX:100,296,285, C>G on the plus strand (G>C on the coding strand, the complement: PCDH19 is on the minus strand). VCF-style: chrX-100296285-C-G. GRCh37 (hg19) VCF-style: chrX-99551283-C-G.
Other names: c.3298G>C, p.Val1100Leu (NM_001105243.2); c.3295G>C, p.Val1099Leu (NM_020766.3); short protein forms V1100L, V1147L, V1099L.
Identifiers: ClinVar variation 956366 (VCV000956366.10), dbSNP rs138771033, ClinGen allele CA413999317.